The following is an entry in ClinVar:

ClinVar aggregate classification (germline): Uncertain significance (1 of 4 stars; one submission).

Conditions:
Hereditary pancreatitis (PCTT). Also called: PRSS1-Related Hereditary Pancreatitis; Hereditary chronic pancreatitis. Identifiers: Orphanet 676, MedGen C0238339, MONDO:0008185, OMIM 167800.

Submission:

Ambry Genetics
Classification: Uncertain significance for Hereditary pancreatitis. Last evaluated: 2017-10-23. Review status: criteria provided, single submitter. Criteria: Ambry Variant Classification Scheme 2023. Collection method: clinical testing. Allele origin: germline.
Comment: The p.S76C variant (also known as c.227C>G), located in coding exon 4 of the SPINK1 gene, results from a C to G substitution at nucleotide position 227. The serine at codon 76 is replaced by cysteine, an amino acid with dissimilar properties. This amino acid position is not well conserved in available vertebrate species. In addition, this alteration is predicted to be tolerated by in silico analysis. Since supporting evidence is limited at this time, the clinical significance of this alteration remains unclear.

NM_001379610.1(SPINK1):c.227C>G (p.Ser76Cys)

Gene: SPINK1 (serine peptidase inhibitor Kazal type 1; minus strand). Cytogenetic location: 5q32.
Variant type: single nucleotide variant.
Coding change: c.227C>G on transcript NM_001379610.1 (MANE Select); coding-DNA position 227, C replaced by G.
Protein change: p.Ser76Cys; replaces serine 76 with cysteine.
Molecular consequence: missense variant.
Genome position (GRCh38, 1-based): chr5:147,824,674, G>C on the plus strand (C>G on the coding strand, the complement: SPINK1 is on the minus strand). VCF-style: chr5-147824674-G-C. GRCh37 (hg19) VCF-style: chr5-147204237-G-C.
Other names: c.227C>G, p.Ser76Cys (NM_001354966.2, NM_003122.5); short protein forms S76C.
Identifiers: ClinVar variation 1788907 (VCV001788907.2), dbSNP rs2480192068, ClinGen allele CA361885078.